The following is an entry in ClinVar:

ClinVar aggregate classification (germline): Conflicting classifications of pathogenicity. Review status: criteria provided, conflicting classifications (1 of 4 stars). 3 submissions from 3 submitters: Uncertain significance (2); Likely benign (1). Last evaluated 2023-03-23.

Conditions:
Hereditary breast ovarian cancer syndrome. Also called: Hereditary breast and ovarian cancer syndrome; BRCA1- and BRCA2-Associated Hereditary Breast and Ovarian Cancer; Breast and ovarian cancer; Hereditary breast and/or ovarian cancer syndrome; Hereditary breast and ovarian cancer; Hereditary breast and ovarian cancer syndrome (HBOC). Identifiers: Orphanet 145, MedGen C0677776, MeSH D061325, MONDO:0003582. Disease mechanism: loss of function.
Hereditary cancer-predisposing syndrome. Also called: Neoplastic Syndromes, Hereditary; Tumor predisposition; Hereditary Cancer Syndrome; Hereditary neoplastic syndrome. Identifiers: Orphanet 140162, MedGen C0027672, MeSH D009386, MONDO:0015356.

Submissions (3):

University of Washington Department of Laboratory Medicine, University of Washington
Classification: Likely benign for Hereditary cancer-predisposing syndrome. Last evaluated: 2023-03-23. Review status: criteria provided, single submitter. Criteria: Dines et al. (Genet Med. 2020). Collection method: curation. Allele origin: germline.
Comment: Missense variant in a coldspot region where missense variants are very unlikely to be pathogenic (PMID:31911673).

BRCA2 exon 10 coldspot. Reclassification based on statistical prior probability.

Labcorp Genetics (formerly Invitae), Labcorp
Classification: Uncertain significance for Hereditary breast ovarian cancer syndrome. Last evaluated: 2022-02-07. Review status: criteria provided, single submitter. Criteria: Invitae Variant Classification Sherloc (09022015). Collection method: clinical testing. Allele origin: germline.
Comment: In summary, the available evidence is currently insufficient to determine the role of this variant in disease. Therefore, it has been classified as a Variant of Uncertain Significance. Advanced modeling of protein sequence and biophysical properties (such as structural, functional, and spatial information, amino acid conservation, physicochemical variation, residue mobility, and thermodynamic stability) performed at Invitae indicates that this missense variant is not expected to disrupt BRCA2 protein function. ClinVar contains an entry for this variant (Variation ID: 233170). This variant has not been reported in the literature in individuals affected with BRCA2-related conditions. This variant is not present in population databases (gnomAD no frequency). This sequence change replaces valine, which is neutral and non-polar, with leucine, which is neutral and non-polar, at codon 388 of the BRCA2 protein (p.Val388Leu).

Ambry Genetics
Classification: Uncertain significance for Hereditary cancer-predisposing syndrome. Last evaluated: 2015-08-06. Review status: criteria provided, single submitter. Criteria: Ambry Variant Classification Scheme 2023. Collection method: clinical testing. Allele origin: germline.
Comment: The p.V388L variant (also known as c.1162G>T and 1390G>T), located in coding exon 9 of the BRCA2 gene, results from a G to T substitution at nucleotide position 1162. The valine at codon 388 is replaced by leucine, an amino acid with highly similar properties. This variant was not reported in population based cohorts in the following databases: Database of Single Nucleotide Polymorphisms (dbSNP), NHLBI Exome Sequencing Project (ESP), and 1000 Genomes Project. In the ESP, this variant was not observed in 6469 samples (12938 alleles) with coverage at this position. To date, this alteration has been detected with an allele frequency of approximately 0.001% (greater than 150,000 alleles tested) in our clinical cohort. This amino acid position is not well conserved in available vertebrate species, and leucine is the reference amino acid in several species. In addition, this alteration is predicted to be tolerated by in silico analysis. Since supporting evidence is limited at this time, the clinical significance of p.V388L remains unclear.

NM_000059.4(BRCA2):c.1162G>T (p.Val388Leu)

Gene: BRCA2 (BRCA2 DNA repair associated; plus strand). Cytogenetic location: 13q13.1.
Variant type: single nucleotide variant.
Coding change: c.1162G>T on transcript NM_000059.4 (MANE Select); coding-DNA position 1162, G replaced by T.
Protein change: p.Val388Leu; replaces valine 388 with leucine.
Molecular consequence: missense variant.
Genome position (GRCh38, 1-based): chr13:32,332,640, G>T. VCF-style: chr13-32332640-G-T. GRCh37 (hg19) VCF-style: chr13-32906777-G-T.
Other names: short protein forms V388L.
Identifiers: ClinVar variation 233170 (VCV000233170.16), dbSNP rs876660239, ClinGen allele CA10579486.
Genomic context (GRCh38, chr13:32,332,640, plus strand): 5'-TCAAATGTAGCAAATCAGAAGCCCTTTGAGAGTGGAAGTGACAAAATCTCCAAGGAAGTT[G>T]TACCGTCTTTGGCCTGTGAATGGTCTCAACTAACCCTTTCAGGTCTAAATGGAGCCCAGA-3'
Protein context (NP_000050.3, residues 378-398): SGSDKISKEV[Val388Leu]PSLACEWSQL